The following is an entry in ClinVar:

ClinVar aggregate classification (germline): Likely benign. Review status: criteria provided, multiple submitters, no conflicts (2 of 4 stars). 3 submissions from 3 submitters: Likely benign (2). 1 of the submissions does not count toward it. Last evaluated 2026-01-21.

Conditions:
LHX3-related disorder. Also called: LHX3-related condition.

Allele frequency attached by ClinVar (database versions not stated): TOPMed 0.00001; gnomAD 0.00003; 1000 Genomes Project 30x 0.00016; gnomAD exomes 0.00016; 1000 Genomes Project 0.00020; ExAC 0.00022.

Submissions (3):

Labcorp Genetics (formerly Invitae), Labcorp
Classification: Likely benign. Last evaluated: 2026-01-21. Review status: criteria provided, single submitter. Criteria: Invitae Variant Classification Sherloc (09022015). Collection method: clinical testing. Allele origin: germline.

Blueprint Genetics
Classification: Likely benign. Last evaluated: 2024-05-23. Review status: criteria provided, single submitter. Criteria: ACMG Guidelines, 2015. Collection method: clinical testing. Allele origin: germline.

PreventionGenetics, part of Exact Sciences
Classification: Likely benign for LHX3-related condition. Last evaluated: 2019-11-26. Review status: no assertion criteria provided. Collection method: clinical testing. Allele origin: germline. Not counted in ClinVar's aggregate classification.
Comment: This variant is classified as likely benign based on ACMG/AMP sequence variant interpretation guidelines (Richards et al. 2015 PMID: 25741868, with internal and published modifications).

NM_178138.6(LHX3):c.651G>A (p.Lys217=)

Gene: LHX3 (LIM homeobox 3; minus strand). Cytogenetic location: 9q34.3.
Variant type: single nucleotide variant.
Coding change: c.651G>A on transcript NM_178138.6 (MANE Select); coding-DNA position 651, G replaced by A.
Protein change: p.Lys217=; no amino-acid change (lysine 217 retained).
Molecular consequence: synonymous variant.
Genome position (GRCh38, 1-based): chr9:136,198,776, C>T on the plus strand (G>A on the coding strand, the complement: LHX3 is on the minus strand). VCF-style: chr9-136198776-C-T. GRCh37 (hg19) VCF-style: chr9-139090622-C-T.
Other names: c.618G>A, p.Lys206= (NM_001363746.1); c.666G>A, p.Lys222= (NM_014564.5); c.666G>A (NM_014564.4).
Identifiers: ClinVar variation 1134736 (VCV001134736.12), dbSNP rs557094505, ClinGen allele CA5330418.
Genomic context (GRCh38, chr9:136,198,776, plus strand): 5'-GCCGCCGCGGGAGCGCTTCATGTTGCGGAAATACTGCCCCCAGCGCTGCCGGCCGGCGTC[C>T]TTCTTCAGCCTCTTCTCCTTGGCCCGGCGGTTCTGGAACCAAACCTGGGGGCGGGGCGGG-3'
Protein context (NP_835258.1, residues 207-227): NRRAKEKRLK[Lys217=]DAGRQRWGQY